The following is an entry in ClinVar:

ClinVar aggregate classification (germline): Uncertain significance (1 of 4 stars; one submission).

Submission:

Labcorp Genetics (formerly Invitae), Labcorp
Classification: Uncertain significance. Last evaluated: 2024-04-27. Review status: criteria provided, single submitter. Criteria: Invitae Variant Classification Sherloc (09022015). Collection method: clinical testing. Allele origin: germline.
Comment: This sequence change replaces lysine, which is basic and polar, with asparagine, which is neutral and polar, at codon 811 of the WFS1 protein (p.Lys811Asn). This variant is present in population databases (rs1046314, gnomAD 0.004%). This variant has not been reported in the literature in individuals affected with WFS1-related conditions. Advanced modeling of protein sequence and biophysical properties (such as structural, functional, and spatial information, amino acid conservation, physicochemical variation, residue mobility, and thermodynamic stability) performed at Invitae indicates that this missense variant is not expected to disrupt WFS1 protein function with a negative predictive value of 95%. In summary, the available evidence is currently insufficient to determine the role of this variant in disease. Therefore, it has been classified as a Variant of Uncertain Significance.

NM_006005.3(WFS1):c.2433G>C (p.Lys811Asn)

Gene: WFS1 (wolframin ER transmembrane glycoprotein; plus strand). Cytogenetic location: 4p16.1.
Variant type: single nucleotide variant.
Coding change: c.2433G>C on transcript NM_006005.3 (MANE Select); coding-DNA position 2433, G replaced by C.
Protein change: p.Lys811Asn; replaces lysine 811 with asparagine.
Molecular consequence: missense variant.
Genome position (GRCh38, 1-based): chr4:6,302,228, G>C. VCF-style: chr4-6302228-G-C. GRCh37 (hg19) VCF-style: chr4-6303955-G-C.
Other names: c.2433G>C, p.Lys811Asn (NM_001145853.1); short protein forms K811N.
Identifiers: ClinVar variation 3666512 (VCV003666512.2).